The following is an entry in ClinVar:

NM_004183.4(BEST1):c.836T>C (p.Leu279Pro)

Gene: BEST1 (bestrophin 1; plus strand). Cytogenetic location: 11q12.3.
Variant type: single nucleotide variant.
Coding change: c.836T>C on transcript NM_004183.4 (MANE Select); coding-DNA position 836, T replaced by C.
Protein change: p.Leu279Pro; replaces leucine 279 with proline.
Molecular consequence: missense variant. On other transcripts: non-coding transcript variant (1).
Genome position (GRCh38, 1-based): chr11:61,958,267, T>C. VCF-style: chr11-61958267-T-C. GRCh37 (hg19) VCF-style: chr11-61725739-T-C.
Other names: c.656T>C, p.Leu219Pro (NM_001139443.3, NM_001300786.2, NM_001300787.2); c.518T>C, p.Leu173Pro (NM_001363591.3); c.836T>C, p.Leu279Pro (NM_001363592.2); c.-340T>C (NM_001363593.3); short protein forms L219P, L173P, L279P.
Identifiers: ClinVar variation 3634177 (VCV003634177.2).

ClinVar aggregate classification (germline): Uncertain significance (1 of 4 stars; one submission).

gnomAD v4.1: 1 of 1,614,242 alleles (0.000062%); highest among the groups gnomAD compares: South Asian, 0.0011%; no homozygotes.

Submission:

Labcorp Genetics (formerly Invitae), Labcorp
Classification: Uncertain significance. Last evaluated: 2024-03-04. Review status: criteria provided, single submitter. Criteria: Invitae Variant Classification Sherloc (09022015). Collection method: clinical testing. Allele origin: germline.
Comment: This sequence change replaces leucine, which is neutral and non-polar, with proline, which is neutral and non-polar, at codon 279 of the BEST1 protein (p.Leu279Pro). This variant is present in population databases (no rsID available, gnomAD 0.003%). This variant has not been reported in the literature in individuals affected with BEST1-related conditions. Advanced modeling of protein sequence and biophysical properties (such as structural, functional, and spatial information, amino acid conservation, physicochemical variation, residue mobility, and thermodynamic stability) performed at Invitae indicates that this missense variant is expected to disrupt BEST1 protein function with a positive predictive value of 95%. In summary, the available evidence is currently insufficient to determine the role of this variant in disease. Therefore, it has been classified as a Variant of Uncertain Significance.